The following is an entry in ClinVar:

ClinVar aggregate classification (germline): Likely benign (1 of 4 stars; one submission).

Allele frequency attached by ClinVar (database versions not stated): gnomAD exomes below 0.00001.
gnomAD v4.1: 4 of 1,603,954 alleles (0.00025%); highest among the groups gnomAD compares: South Asian, 0.0034%; no homozygotes.

Submission:

CeGaT Center for Human Genetics Tuebingen
Classification: Likely benign. Last evaluated: 2024-05-01. Review status: criteria provided, single submitter. Criteria: CeGaT Center For Human Genetics Tuebingen Variant Classification Criteria Version 2. Collection method: clinical testing. Allele origin: germline. Affected: yes. Observed: 1 variant allele.
Comment: CEP135: PM2:Supporting, BP4, BP7

NM_025009.5(CEP135):c.843G>A (p.Gln281=)

Gene: CEP135 (centrosomal protein 135; plus strand). Cytogenetic location: 4q12.
Variant type: single nucleotide variant.
Coding change: c.843G>A on transcript NM_025009.5 (MANE Select); coding-DNA position 843, G replaced by A.
Protein change: p.Gln281=; no amino-acid change (glutamine 281 retained).
Molecular consequence: synonymous variant.
Genome position (GRCh38, 1-based): chr4:55,965,658, G>A. VCF-style: chr4-55965658-G-A. GRCh37 (hg19) VCF-style: chr4-56831824-G-A.
Identifiers: ClinVar variation 3239470 (VCV003239470.19), dbSNP rs2476038083.